The following is an entry in ClinVar:

NM_001734.5(C1S):c.1124G>A (p.Ser375Asn)

Gene: C1S (complement C1s; plus strand). Cytogenetic location: 12p13.31.
Variant type: single nucleotide variant.
Coding change: c.1124G>A on transcript NM_001734.5 (MANE Select); coding-DNA position 1124, G replaced by A.
Protein change: p.Ser375Asn; replaces serine 375 with asparagine.
Molecular consequence: missense variant.
Genome position (GRCh38, 1-based): chr12:7,067,700, G>A. VCF-style: chr12-7067700-G-A. GRCh37 (hg19) VCF-style: chr12-7175004-G-A.
Other names: c.623G>A, p.Ser208Asn (NM_001346850.2); c.1124G>A, p.Ser375Asn (NM_201442.4); short protein forms S375N, S208N.
Identifiers: ClinVar variation 1950545 (VCV001950545.6), dbSNP rs1937709766, ClinGen allele CA383700885.

ClinVar aggregate classification (germline): Uncertain significance. Review status: criteria provided, multiple submitters, no conflicts (2 of 4 stars). 2 submissions from 2 submitters: Uncertain significance (2). Last evaluated 2026-04-07.

Allele frequency attached by ClinVar (database versions not stated): gnomAD 0.00001; gnomAD exomes 0.00001; TOPMed 0.00001.
gnomAD v4.1: 10 of 1,613,804 alleles (0.00062%); highest among the groups gnomAD compares: Admixed American, 0.0033%; no homozygotes.

Submissions (2):

Women's Health and Genetics/Laboratory Corporation of America, LabCorp
Classification: Uncertain significance. Last evaluated: 2026-04-07. Review status: criteria provided, single submitter. Criteria: LabCorp Variant Classification Summary - May 2015. Collection method: clinical testing. Allele origin: germline.

Labcorp Genetics (formerly Invitae), Labcorp
Classification: Uncertain significance. Last evaluated: 2024-05-10. Review status: criteria provided, single submitter. Criteria: Invitae Variant Classification Sherloc (09022015). Collection method: clinical testing. Allele origin: germline.
Comment: This sequence change replaces serine, which is neutral and polar, with asparagine, which is neutral and polar, at codon 375 of the C1S protein (p.Ser375Asn). This variant is not present in population databases (gnomAD no frequency). This variant has not been reported in the literature in individuals affected with C1S-related conditions. ClinVar contains an entry for this variant (Variation ID: 1950545). Advanced modeling of protein sequence and biophysical properties (such as structural, functional, and spatial information, amino acid conservation, physicochemical variation, residue mobility, and thermodynamic stability) performed at Invitae indicates that this missense variant is not expected to disrupt C1S protein function with a negative predictive value of 80%. In summary, the available evidence is currently insufficient to determine the role of this variant in disease. Therefore, it has been classified as a Variant of Uncertain Significance.